The following is an entry in ClinVar:

ClinVar aggregate classification (germline): Uncertain significance. Review status: criteria provided, multiple submitters, no conflicts (2 of 4 stars). 2 submissions from 2 submitters: Uncertain significance (2). Last evaluated 2025-10-01.

Conditions:
Bardet-Biedl syndrome (BBS). Identifiers: Orphanet 110, MedGen C0752166, MONDO:0015229.
BBS5-related disorder. Also called: BBS5-related condition.

Allele frequency attached by ClinVar (database versions not stated): gnomAD exomes below 0.00001.
gnomAD v4.1: 3 of 1,613,956 alleles (0.00019%); highest among the groups gnomAD compares: Admixed American, 0.0017%; no homozygotes.

Submissions (2):

PreventionGenetics, part of Exact Sciences
Classification: Uncertain significance for BBS5-related condition. Last evaluated: 2025-10-01. Review status: criteria provided, single submitter. Criteria: ACMG Guidelines, 2015. Collection method: clinical testing. Allele origin: germline.
Comment: The BBS5 c.47A>T variant is predicted to result in the amino acid substitution p.Asp16Val. To our knowledge, this variant has not been reported in the literature. This variant is reported in 0.0029% of alleles in individuals of Latino descent in gnomAD. At this time, the clinical significance of this variant is uncertain due to the absence of conclusive functional and genetic evidence.

Labcorp Genetics (formerly Invitae), Labcorp
Classification: Uncertain significance for Bardet-Biedl syndrome. Last evaluated: 2024-10-25. Review status: criteria provided, single submitter. Criteria: Invitae Variant Classification Sherloc (09022015). Collection method: clinical testing. Allele origin: germline.
Comment: This sequence change replaces aspartic acid, which is acidic and polar, with valine, which is neutral and non-polar, at codon 16 of the BBS5 protein (p.Asp16Val). This variant is present in population databases (no rsID available, gnomAD 0.003%). This variant has not been reported in the literature in individuals affected with BBS5-related conditions. ClinVar contains an entry for this variant (Variation ID: 2428420). Invitae Evidence Modeling of protein sequence and biophysical properties (such as structural, functional, and spatial information, amino acid conservation, physicochemical variation, residue mobility, and thermodynamic stability) indicates that this missense variant is expected to disrupt BBS5 protein function with a positive predictive value of 80%. In summary, the available evidence is currently insufficient to determine the role of this variant in disease. Therefore, it has been classified as a Variant of Uncertain Significance.

NM_152384.3(BBS5):c.47A>T (p.Asp16Val)

Genes: BBS5 (Bardet-Biedl syndrome 5; plus strand), LOC129935068 (ATAC-STARR-seq lymphoblastoid active region 16738; plus strand). Cytogenetic location: 2q31.1.
Variant type: single nucleotide variant.
Coding change: c.47A>T on transcript NM_152384.3 (MANE Select); coding-DNA position 47, A replaced by T.
Protein change: p.Asp16Val; replaces aspartic acid 16 with valine.
Molecular consequence: missense variant.
Genome position (GRCh38, 1-based): chr2:169,479,600, A>T. VCF-style: chr2-169479600-A-T. GRCh37 (hg19) VCF-style: chr2-170336110-A-T.
Other names: c.47A>T (NM_152384.2); short protein forms D16V.
Identifiers: ClinVar variation 2428420 (VCV002428420.5), dbSNP rs1395166744, ClinGen allele CA349158809.